The following is an entry in ClinVar:

NM_001034850.3(RETREG1):c.1211A>C (p.Gln404Pro)

Gene: RETREG1 (reticulophagy regulator 1; minus strand). Cytogenetic location: 5p15.1.
Variant type: single nucleotide variant.
Coding change: c.1211A>C on transcript NM_001034850.3 (MANE Select); coding-DNA position 1211, A replaced by C.
Protein change: p.Gln404Pro; replaces glutamine 404 with proline.
Molecular consequence: missense variant.
Genome position (GRCh38, 1-based): chr5:16,475,024, T>G on the plus strand (A>C on the coding strand, the complement: RETREG1 is on the minus strand). VCF-style: chr5-16475024-T-G. GRCh37 (hg19) VCF-style: chr5-16475133-T-G.
Other names: c.788A>C, p.Gln263Pro (NM_019000.5); short protein forms Q263P, Q404P.
Identifiers: ClinVar variation 1481725 (VCV001481725.8), dbSNP rs2126505577, ClinGen allele CA359256186.

ClinVar aggregate classification (germline): Uncertain significance (1 of 4 stars; one submission).

Submission:

Labcorp Genetics (formerly Invitae), Labcorp
Classification: Uncertain significance. Last evaluated: 2022-02-23. Review status: criteria provided, single submitter. Criteria: Invitae Variant Classification Sherloc (09022015). Collection method: clinical testing. Allele origin: germline.
Comment: In summary, the available evidence is currently insufficient to determine the role of this variant in disease. Therefore, it has been classified as a Variant of Uncertain Significance. Algorithms developed to predict the effect of missense changes on protein structure and function output the following: SIFT: "Deleterious"; PolyPhen-2: "Benign"; Align-GVGD: "Class C15". The proline amino acid residue is found in multiple mammalian species, which suggests that this missense change does not adversely affect protein function. This variant has not been reported in the literature in individuals affected with RETREG1-related conditions. This variant is not present in population databases (gnomAD no frequency). This sequence change replaces glutamine, which is neutral and polar, with proline, which is neutral and non-polar, at codon 404 of the RETREG1 protein (p.Gln404Pro).